The following is an entry in ClinVar:

ClinVar aggregate classification (germline): Conflicting classifications of pathogenicity. Review status: criteria provided, conflicting classifications (1 of 4 stars). 4 submissions from 4 submitters: Uncertain significance (1); Likely benign (2). 1 of the submissions does not count toward it. Last evaluated 2023-11-26.

Conditions:
CLIC5-related disorder. Also called: CLIC5-related condition.

Allele frequency attached by ClinVar (database versions not stated): gnomAD exomes 0.00011 and 0.00034; 1000 Genomes Project 30x 0.00016; ExAC 0.00028; gnomAD 0.00012; TOPMed 0.00022; 1000 Genomes Project 0.00020.

Submissions (4):

Labcorp Genetics (formerly Invitae), Labcorp
Classification: Likely benign. Last evaluated: 2023-11-26. Review status: criteria provided, single submitter. Criteria: Invitae Variant Classification Sherloc (09022015). Collection method: clinical testing. Allele origin: germline.

GeneDx
Classification: Likely benign. Last evaluated: 2020-01-07. Review status: criteria provided, single submitter. Criteria: GeneDx Variant Classification Process June 2021. Collection method: clinical testing. Allele origin: germline. Affected: yes.

Laboratory for Molecular Medicine, Mass General Brigham Personalized Medicine
Classification: Uncertain significance. Last evaluated: 2019-01-04. Review status: criteria provided, single submitter. Criteria: LMM Criteria. Collection method: clinical testing. Allele origin: germline. Observed: 1 variant allele.
Comment: The p.Arg406Cys variant in CLIC5 has not been previously reported in individuals with hearing loss but has been identified in 0.2% (75/35430) of Latino chromoso mes by gnomAD. Computational prediction tools and conservation analysis suggest that this variant may impact the protein, tho ugh this information is not predictive enough to determine pathogenicity. In sum mary, the clinical significance of the p.Arg406Cys variant is uncertain. ACMG/AM P Criteria applied: BS1_Supporting, PP3.

PreventionGenetics, part of Exact Sciences
Classification: Likely benign for CLIC5-related condition. Last evaluated: 2024-06-06. Review status: no assertion criteria provided. Collection method: clinical testing. Allele origin: germline. Not counted in ClinVar's aggregate classification.
Comment: This variant is classified as likely benign based on ACMG/AMP sequence variant interpretation guidelines (Richards et al. 2015 PMID: 25741868, with internal and published modifications).

NM_016929.5(CLIC5):c.739C>T (p.Arg247Cys)

Gene: CLIC5 (chloride intracellular channel 5; minus strand). Cytogenetic location: 6p21.1.
Variant type: single nucleotide variant.
Coding change: c.739C>T on transcript NM_016929.5 (MANE Select); coding-DNA position 739, C replaced by T.
Protein change: p.Arg247Cys; replaces arginine 247 with cysteine.
Molecular consequence: missense variant. On other transcripts: non-coding transcript variant (2).
Genome position (GRCh38, 1-based): chr6:45,903,105, G>A on the plus strand (C>T on the coding strand, the complement: CLIC5 is on the minus strand). VCF-style: chr6-45903105-G-A. GRCh37 (hg19) VCF-style: chr6-45870842-G-A.
Other names: c.1216C>T, p.Arg406Cys (NM_001114086.2, NM_001370650.1); c.622C>T, p.Arg208Cys (NM_001370649.1); short protein forms R208C, R247C, R406C.
Identifiers: ClinVar variation 667217 (VCV000667217.14), dbSNP rs202022202, ClinGen allele CA3836677.
Genomic context (GRCh38, chr6:45,903,105, plus strand): 5'-GGTTGAGTCCTTCTGCAGCGGGGATGGGGCAAAATGGCTGTGCTCAGGATCGGCTGAGGC[G>A]TTTGGCGACATCAGCGTAGGCCAACTCGATCTCACTGTCAGCTGCACAGGTGTTGGTGAA-3'
Protein context (NP_058625.2, residues 237-251): IELAYADVAK[Arg247Cys]LSRS